The following is an entry in ClinVar:

ClinVar aggregate classification (germline): Uncertain significance (1 of 4 stars; one submission).

Allele frequency attached by ClinVar (database versions not stated): ExAC 0.00001; gnomAD 0.00001; TOPMed 0.00001.

Submission:

Labcorp Genetics (formerly Invitae), Labcorp
Classification: Uncertain significance. Last evaluated: 2022-05-06. Review status: criteria provided, single submitter. Criteria: Invitae Variant Classification Sherloc (09022015). Collection method: clinical testing. Allele origin: germline.
Comment: This sequence change replaces asparagine, which is neutral and polar, with serine, which is neutral and polar, at codon 301 of the POC1A protein (p.Asn301Ser). This variant is present in population databases (rs767309174, gnomAD 0.02%). This variant has not been reported in the literature in individuals affected with POC1A-related conditions. Algorithms developed to predict the effect of missense changes on protein structure and function are either unavailable or do not agree on the potential impact of this missense change (SIFT: "Not Available"; PolyPhen-2: "Probably Damaging"; Align-GVGD: "Not Available"). In summary, the available evidence is currently insufficient to determine the role of this variant in disease. Therefore, it has been classified as a Variant of Uncertain Significance.

NM_015426.5(POC1A):c.902A>G (p.Asn301Ser)

Gene: POC1A (POC1 centriolar protein A; minus strand). Cytogenetic location: 3p21.2.
Variant type: single nucleotide variant.
Coding change: c.902A>G on transcript NM_015426.5 (MANE Select); coding-DNA position 902, A replaced by G.
Protein change: p.Asn301Ser; replaces asparagine 301 with serine.
Molecular consequence: missense variant.
Genome position (GRCh38, 1-based): chr3:52,122,458, T>C on the plus strand (A>G on the coding strand, the complement: POC1A is on the minus strand). VCF-style: chr3-52122458-T-C. GRCh37 (hg19) VCF-style: chr3-52156474-T-C.
Other names: c.902A>G, p.Asn301Ser (NM_001161580.2); c.788A>G, p.Asn263Ser (NM_001161581.2); short protein forms N263S, N301S.
Identifiers: ClinVar variation 2088747 (VCV002088747.4), dbSNP rs767309174, ClinGen allele CA2429457.
Genomic context (GRCh38, chr3:52,122,458, plus strand): 5'-GCCAGTGTGGCTGGGGGCCTCGGCACTTTCGTGACTTCTCCATGATCAACAATATCAAAG[T>C]TACTCTTCCAAACCATCACCTGCCAAAACCAACAGGCACACCAAGTCAGGAGAAGAAAAT-3'
Protein context (NP_056241.3, residues 291-311): SDEQVMVWKS[Asn301Ser]FDIVDHGEVT